The following is an entry in ClinVar:

ClinVar aggregate classification (germline): Uncertain significance (1 of 4 stars; one submission).

Conditions:
Nephronophthisis. Also called: Juvenile Nephronophthisis. Identifiers: Orphanet 655, MedGen C0687120, MONDO:0019005, HP:0000090.

Submission:

Labcorp Genetics (formerly Invitae), Labcorp
Classification: Uncertain significance for Nephronophthisis. Last evaluated: 2023-10-03. Review status: criteria provided, single submitter. Criteria: Invitae Variant Classification Sherloc (09022015). Collection method: clinical testing. Allele origin: germline.
Comment: This sequence change replaces isoleucine, which is neutral and non-polar, with threonine, which is neutral and polar, at codon 849 of the NPHP3 protein (p.Ile849Thr). This variant is not present in population databases (gnomAD no frequency). This variant has not been reported in the literature in individuals affected with NPHP3-related conditions. ClinVar contains an entry for this variant (Variation ID: 948651). Advanced modeling of protein sequence and biophysical properties (such as structural, functional, and spatial information, amino acid conservation, physicochemical variation, residue mobility, and thermodynamic stability) performed at Invitae indicates that this missense variant is not expected to disrupt NPHP3 protein function. In summary, the available evidence is currently insufficient to determine the role of this variant in disease. Therefore, it has been classified as a Variant of Uncertain Significance.

NM_153240.5(NPHP3):c.2546T>C (p.Ile849Thr)

Genes: NPHP3 (nephrocystin 3; minus strand), NPHP3-ACAD11 (NPHP3-ACAD11 readthrough (NMD candidate); minus strand). Cytogenetic location: 3q22.1.
Variant type: single nucleotide variant.
Coding change: c.2546T>C on transcript NM_153240.5 (MANE Select); coding-DNA position 2546, T replaced by C.
Protein change: p.Ile849Thr; replaces isoleucine 849 with threonine.
Molecular consequence: missense variant. On other transcripts: non-coding transcript variant (1).
Genome position (GRCh38, 1-based): chr3:132,691,216, A>G on the plus strand (T>C on the coding strand, the complement: NPHP3 is on the minus strand). VCF-style: chr3-132691216-A-G. GRCh37 (hg19) VCF-style: chr3-132410060-A-G.
Other names: short protein forms I849T.
Identifiers: ClinVar variation 948651 (VCV000948651.9), dbSNP rs1939290471, ClinGen allele CA354581060.